The following is an entry in ClinVar:

ClinVar aggregate classification (germline): Uncertain significance (3 of 4 stars; one submission).

Conditions:
Glanzmann thrombasthenia. Also called: PLATELET GLYCOPROTEIN IIb-IIIa DEFICIENCY; BLEEDING DISORDER, PLATELET-TYPE, 2; THROMBASTHENIA OF GLANZMANN AND NAEGELI; Thrombasthenia; Glanzmann's thrombasthenia. Identifiers: Orphanet 849, MedGen C0040015, MONDO:0100326.

Submission:

ClinGen Platelet Disorders Variant Curation Expert Panel, ClinGen
Classification: Uncertain significance for Glanzmann thrombasthenia. Last evaluated: 2025-06-19. Review status: reviewed by expert panel. Criteria: ClinGen Platelet ACMG Specifications v2-1. Collection method: curation. Allele origin: germline. Inheritance: Autosomal recessive inheritance.
Comment: The NM_000212.3(ITGB3):c.1451G>T (p.Gly484Val) missense variant has been reported in two affected siblings (PP1; PMID: 34066320). This variant is absent from gnomAD v4.1 (PM2_Supporting). The computational predictor REVEL gives a score of 0.905, which is above the ClinGen PD VCEP threshold of >0.7 and predicts a damaging effect on function (PP3). In summary, this variant meets the criteria to be classified as uncertain significance for autosomal recessive Glanzmann Thrombasthenia based on the ACMG/AMP criteria applied, as specified by the ClinGen PD VCEP: PP1, PM2_supporting, PP3.

NM_000212.3(ITGB3):c.1451G>T (p.Gly484Val)

Gene: ITGB3 (integrin subunit beta 3; plus strand). Cytogenetic location: 17q21.32.
Variant type: single nucleotide variant.
Coding change: c.1451G>T on transcript NM_000212.3 (MANE Select); coding-DNA position 1451, G replaced by T.
Protein change: p.Gly484Val; replaces glycine 484 with valine.
Molecular consequence: missense variant.
Genome position (GRCh38, 1-based): chr17:47,292,329, G>T. VCF-style: chr17-47292329-G-T. GRCh37 (hg19) VCF-style: chr17-45369695-G-T.
Other names: NM_000212.3:c.1451G>T; short protein forms G484V.
Identifiers: ClinVar variation 1879025 (VCV001879025.2), dbSNP rs1485911294, ClinGen allele CA400029341.